The following is an entry in ClinVar:

NM_001042492.3(NF1):c.3527G>T (p.Arg1176Ile)

Gene: NF1 (neurofibromin 1; plus strand). Cytogenetic location: 17q11.2.
Variant type: single nucleotide variant.
Coding change: c.3527G>T on transcript NM_001042492.3 (MANE Select); coding-DNA position 3527, G replaced by T.
Protein change: p.Arg1176Ile; replaces arginine 1176 with isoleucine.
Molecular consequence: missense variant.
Genome position (GRCh38, 1-based): chr17:31,233,032, G>T. VCF-style: chr17-31233032-G-T. GRCh37 (hg19) VCF-style: chr17-29560050-G-T.
Other names: c.3527G>T, p.Arg1176Ile (NM_000267.4); short protein forms R1176I.
Identifiers: ClinVar variation 481919 (VCV000481919.17), dbSNP rs1227027709, ClinGen allele CA398989819.
Genomic context (GRCh38, chr17:31,233,032, plus strand): 5'-AGTAAATTTGCATCTGTTTGTCCACATTAGGCTTAGGTTACCACAAGGATCTCCAGACAA[G>T]AGCTACATTTATGGAAGTTCTGACAAAAATCCTTCAACAAGGCACAGAATTTGACACACT-3'
Protein context (NP_001035957.1, residues 1166-1186): GLGYHKDLQT[Arg1176Ile]ATFMEVLTKI

ClinVar aggregate classification (germline): Conflicting classifications of pathogenicity. Review status: criteria provided, conflicting classifications (1 of 4 stars). 6 submissions from 6 submitters: Uncertain significance (5); Likely benign (1). Last evaluated 2026-01-08.

Conditions:
Hereditary cancer-predisposing syndrome. Also called: Neoplastic Syndromes, Hereditary; Hereditary Cancer Syndrome; Tumor predisposition; Hereditary neoplastic syndrome. Identifiers: Orphanet 140162, MedGen C0027672, MeSH D009386, MONDO:0015356.
Cardiovascular phenotype. Identifiers: MedGen CN230736.
NF1-related disorder. Also called: NF1-related condition. Identifiers: MedGen CN379171.
Juvenile myelomonocytic leukemia (JMML). Also called: LEUKEMIA, JUVENILE MYELOMONOCYTIC, SOMATIC. Identifiers: Orphanet 86834, MedGen C0349639, MONDO:0011908, OMIM 607785, HP:0012209.
Neurofibromatosis, type 1 (NF1). Also called: VON RECKLINGHAUSEN DISEASE; NEUROFIBROMATOSIS, TYPE I, SOMATIC; Peripheral type neurofibromatosis; Neurofibromatosis, type I. Identifiers: Orphanet 636, MedGen C0027831, MONDO:0018975, OMIM 162200. Disease mechanism: loss of function.

Allele frequency attached by ClinVar (database versions not stated): gnomAD exomes below 0.00001; gnomAD 0.00001; TOPMed 0.00001.
gnomAD v4.1: 3 of 1,614,070 alleles (0.00019%); highest among the groups gnomAD compares: Non-Finnish European, 0.00025%; no homozygotes.

Submissions (6):

PreventionGenetics, part of Exact Sciences
Classification: Uncertain significance for NF1-related condition. Last evaluated: 2026-01-08. Review status: criteria provided, single submitter. Criteria: ACMG Guidelines, 2015. Collection method: clinical testing. Allele origin: germline.
Comment: The NF1 c.3527G>T variant is predicted to result in the amino acid substitution p.Arg1176Ile. To our knowledge, this variant has not been reported in the literature. This variant is reported in 0.00088% of alleles in individuals of European (Non-Finnish) descent in gnomAD. At this time, the clinical significance of this variant is uncertain due to the absence of conclusive functional and genetic evidence.

Labcorp Genetics (formerly Invitae), Labcorp
Classification: Likely benign for Neurofibromatosis, type 1. Last evaluated: 2025-08-17. Review status: criteria provided, single submitter. Criteria: Invitae Variant Classification Sherloc (09022015). Collection method: clinical testing. Allele origin: germline.

Ambry Genetics
Classification: Uncertain significance for Cardiovascular phenotype; Hereditary cancer-predisposing syndrome. Last evaluated: 2024-12-22. Review status: criteria provided, single submitter. Criteria: Ambry Variant Classification Scheme 2023. Collection method: clinical testing. Allele origin: germline.
Comment: The p.R1176I variant (also known as c.3527G>T), located in coding exon 27 of the NF1 gene, results from a G to T substitution at nucleotide position 3527. The arginine at codon 1176 is replaced by isoleucine, an amino acid with similar properties. This amino acid position is highly conserved in available vertebrate species. In addition, this alteration is predicted to be deleterious by in silico analysis. Since supporting evidence is limited at this time, the clinical significance of this alteration remains unclear.

Baylor Genetics
Classification: Uncertain significance for Juvenile myelomonocytic leukemia. Last evaluated: 2023-10-15. Review status: criteria provided, single submitter. Criteria: ACMG Guidelines, 2015. Collection method: clinical testing. Allele origin: unknown.

Genome-Nilou Lab
Classification: Uncertain significance for Neurofibromatosis, type 1. Last evaluated: 2022-03-15. Review status: criteria provided, single submitter. Criteria: ACMG Guidelines, 2015. Collection method: clinical testing. Allele origin: germline. Affected: no.

Sema4
Classification: Uncertain significance for Hereditary cancer-predisposing syndrome. Last evaluated: 2021-05-24. Review status: criteria provided, single submitter. Criteria: Sema4 Curation Guidelines. Collection method: curation. Allele origin: germline.
Comment: The NF1 c.3527G>T (p.R1176I) variant has not been reported in individuals with NF1-related disease to our knowledge. It was observed in 1/113628 chromosomes of the Non-Finnish European subpopulation in the large and broad cohorts of the Genome Aggregation Database. The variant has been reported in ClinVar (Variation ID 481919). In silico tools suggest the impact of the variant on protein function is deleterious, though these predictions have not been confirmed by functional studies. The evidence is insufficient to meet ACMG/AMP criteria for classifying the variant as benign or pathogenic. Thus, the clinical significance of this variant is currently uncertain.